The following is an entry in ClinVar:

NM_023110.3(FGFR1):c.780del (p.Leu261fs)

Gene: FGFR1 (fibroblast growth factor receptor 1; minus strand). Cytogenetic location: 8p11.23.
Variant type: Deletion.
Coding change: c.780del on transcript NM_023110.3 (MANE Select); coding-DNA position 780, one base deleted (G; older notation c.780delG).
Protein change: p.Leu261fs; shifts the reading frame from leucine 261.
Molecular consequence: frameshift variant.
Genome position (GRCh38, 1-based): chr8:38,424,665, C deleted on the plus strand (G on the coding strand, the reverse complement: FGFR1 is on the minus strand); the first of 3 consecutive C bases (chr8:38,424,665-38,424,667); deleting any one gives the same sequence. VCF-style (leftmost placement, unchanged base first): chr8-38424664-AC-A. GRCh37 (hg19) VCF-style: chr8-38282182-AC-A.
Other names: c.778delG, p.Leu261Cysfs (NM_000604.2); c.774del, p.Leu259fs (NM_015850.4, NM_001174065.2, NM_001354367.2 and 1 more transcripts); c.513del, p.Leu172fs (NM_023105.3, NM_001174066.2); c.507del, p.Leu170fs (NM_023106.3, NM_001354368.2, NM_001354370.2); c.780del, p.Leu261fs (NM_001174063.2); c.756del, p.Leu253fs (NM_001174064.2); c.873del, p.Leu292fs (NM_001174067.2); c.772delG, p.Leu259Cysfs (NM_001410922.1); short protein forms L170fs, L292fs, L172fs, L259fs, L261fs, L253fs.
Identifiers: ClinVar variation 2029325 (VCV002029325.4), dbSNP rs2537101947, ClinGen allele CA2580078231.

ClinVar aggregate classification (germline): Pathogenic (1 of 4 stars; one submission).

Conditions:
Hypogonadotropic hypogonadism 2 with or without anosmia (HH2). Also called: FGFR1-Related GnRH Deficiency (Kallmann Syndrome 2); HYPOGONADOTROPIC HYPOGONADISM 2 WITHOUT ANOSMIA; HYPOGONADOTROPIC HYPOGONADISM 2 WITH OR WITHOUT ANOSMIA, SUSCEPTIBILITY TO; HYPOGONADOTROPIC HYPOGONADISM 2 WITHOUT ANOSMIA, SUSCEPTIBILITY TO. Identifiers: Orphanet 478, MedGen C1563720, MONDO:0007844, OMIM 147950. Disease mechanism: loss of function.
Pfeiffer syndrome (ACS5). Also called: ACS V. Identifiers: Orphanet 710, MedGen C0220658, MONDO:0007043, OMIM 101600.

Submission:

Labcorp Genetics (formerly Invitae), Labcorp
Classification: Pathogenic for Pfeiffer syndrome; Hypogonadotropic hypogonadism 2 with or without anosmia. Last evaluated: 2022-09-07. Review status: criteria provided, single submitter. Criteria: Invitae Variant Classification Sherloc (09022015). Collection method: clinical testing. Allele origin: germline.
Comment: This sequence change creates a premature translational stop signal (p.Leu261Cysfs*30) in the FGFR1 gene. It is expected to result in an absent or disrupted protein product. Loss-of-function variants in FGFR1 are known to be pathogenic (PMID: 12627230). This variant is not present in population databases (gnomAD no frequency). This variant has not been reported in the literature in individuals affected with FGFR1-related conditions. For these reasons, this variant has been classified as Pathogenic.

Literature cited by the submitters: PubMed 12627230.